The following is an entry in ClinVar:

NM_000240.4(MAOA):c.739G>A (p.Val247Ile)

Gene: MAOA (monoamine oxidase A; plus strand). Cytogenetic location: Xp11.3.
Variant type: single nucleotide variant.
Coding change: c.739G>A on transcript NM_000240.4 (MANE Select); coding-DNA position 739, G replaced by A.
Protein change: p.Val247Ile; replaces valine 247 with isoleucine.
Molecular consequence: missense variant.
Genome position (GRCh38, 1-based): chrX:43,731,334, G>A. VCF-style: chrX-43731334-G-A. GRCh37 (hg19) VCF-style: chrX-43590581-G-A.
Other names: c.340G>A, p.Val114Ile (NM_001270458.2); short protein forms V114I, V247I.
Identifiers: ClinVar variation 975746 (VCV000975746.7), dbSNP rs777420059, ClinGen allele CA10390827.
Genomic context (GRCh38, chrX:43,731,334, plus strand): 5'-AGCGAACGGATAATGGACCTCCTCGGAGACCAAGTGAAGCTGAACCATCCTGTCACTCAC[G>A]TTGACCAGTCAAGTGACAACATCATCATAGAGACGCTGAACCATGAACATTATGAGGTAA-3'
Protein context (NP_000231.1, residues 237-257): QVKLNHPVTH[Val247Ile]DQSSDNIIIE

ClinVar aggregate classification (germline): Conflicting classifications of pathogenicity. Review status: criteria provided, conflicting classifications (1 of 4 stars). 4 submissions from 4 submitters: Uncertain significance (2); Likely benign (1). 1 of the submissions does not count toward it. Last evaluated 2025-10-23.

Conditions:
Inborn genetic diseases. Identifiers: MedGen C0950123, MeSH D030342.
Brunner syndrome (BRNRS). Identifiers: Orphanet 3057, MedGen C0796275, MONDO:0010379, OMIM 300615.
Intellectual disability. Also called: intellectual disabilities; Intellectual developmental disorder; Intellectual functioning disability. Identifiers: MedGen C3714756, MeSH D008607, MONDO:0001071, HP:0001249.

Allele frequency attached by ClinVar (database versions not stated): TOPMed 0.00001; gnomAD 0.00002; gnomAD exomes 0.00003; ExAC 0.00002.
gnomAD v4.1: 34 of 1,207,466 alleles (0.0028%); highest among the groups gnomAD compares: East Asian, 0.044%; no homozygotes.

Submissions (4):

Women's Health and Genetics/Laboratory Corporation of America, LabCorp
Classification: Uncertain significance. Last evaluated: 2025-10-23. Review status: criteria provided, single submitter. Criteria: LabCorp Variant Classification Summary - May 2015. Collection method: clinical testing. Allele origin: germline.
Comment: Variant summary: MAOA c.739G>A (p.Val247Ile) results in a conservative amino acid change in the encoded protein sequence. Algorithms developed to predict the effect of missense changes on protein structure and function all suggest that this variant is likely to be tolerated. The variant allele was found at a frequency of 2.7e-05 in 182889 control chromosomes. The available data on variant occurrences in the general population are insufficient to allow any conclusion about variant significance. To our knowledge, no occurrence of c.739G>A in individuals affected with MAOA-related conditions and no experimental evidence demonstrating its impact on protein function have been reported. ClinVar contains an entry for this variant (Variation ID: 975746). Based on the evidence outlined above, the variant was classified as uncertain significance.

Labcorp Genetics (formerly Invitae), Labcorp
Classification: Uncertain significance for Brunner syndrome. Last evaluated: 2025-07-10. Review status: criteria provided, single submitter. Criteria: Invitae Variant Classification Sherloc (09022015). Collection method: clinical testing. Allele origin: germline.
Comment: This sequence change replaces valine, which is neutral and non-polar, with isoleucine, which is neutral and non-polar, at codon 247 of the MAOA protein (p.Val247Ile). This variant is present in population databases (rs777420059, gnomAD 0.02%). This variant has not been reported in the literature in individuals affected with MAOA-related conditions. ClinVar contains an entry for this variant (Variation ID: 975746). Invitae Evidence Modeling of protein sequence and biophysical properties (such as structural, functional, and spatial information, amino acid conservation, physicochemical variation, residue mobility, and thermodynamic stability) indicates that this missense variant is not expected to disrupt MAOA protein function with a negative predictive value of 80%. In summary, the available evidence is currently insufficient to determine the role of this variant in disease. Therefore, it has been classified as a Variant of Uncertain Significance.

Ambry Genetics
Classification: Likely benign for Inborn genetic diseases. Last evaluated: 2023-10-10. Review status: criteria provided, single submitter. Criteria: Ambry Variant Classification Scheme 2023. Collection method: clinical testing. Allele origin: germline.

Centre de Biologie Pathologie Génétique, Centre Hospitalier Universitaire de Lille
Classification: Likely benign for Intellectual disability. Last evaluated: 2019-01-01. Review status: no assertion criteria provided. Collection method: clinical testing. Allele origin: inherited. Affected: yes. Not counted in ClinVar's aggregate classification.